The following is an entry in ClinVar:

NM_006231.4(POLE):c.578+1G>A

Gene: POLE (DNA polymerase epsilon, catalytic subunit; minus strand). Cytogenetic location: 12q24.33.
Variant type: single nucleotide variant.
Coding change: c.578+1G>A on transcript NM_006231.4 (MANE Select); the canonical splice donor site of the intron after coding-DNA position 578, G replaced by A.
Molecular consequence: splice donor variant.
Genome position (GRCh38, 1-based): chr12:132,679,496, C>T on the plus strand (G>A on the coding strand, the complement: POLE is on the minus strand). VCF-style: chr12-132679496-C-T. GRCh37 (hg19) VCF-style: chr12-133256082-C-T.
Identifiers: ClinVar variation 575970 (VCV000575970.9), dbSNP rs1565979631, ClinGen allele CA387366573.
Genomic context (GRCh38, chr12:132,679,496, plus strand): 5'-GTCTCCTATCCATCTTGTCGTTCTGAACCGCTGATGCTTTGCTCACAAGACCAAAGTTTA[C>T]CTGGAAAGCAGAGCTGTGTACGCGTCGCTGGCGTGATCCTGCTCCCTGTTCTTCTTCACG-3'

ClinVar aggregate classification (germline): Likely pathogenic (1 of 4 stars; one submission).

gnomAD v4.1: 1 of 1,596,746 alleles (0.000063%); highest among the groups gnomAD compares: Non-Finnish European, 0.000086%; no homozygotes.

Submission:

Labcorp Genetics (formerly Invitae), Labcorp
Classification: Likely pathogenic. Last evaluated: 2022-05-27. Review status: criteria provided, single submitter. Criteria: Invitae Variant Classification Sherloc (09022015). Collection method: clinical testing. Allele origin: germline.
Comment: In summary, the currently available evidence indicates that the variant is pathogenic, but additional data are needed to prove that conclusively. Therefore, this variant has been classified as Likely Pathogenic. Algorithms developed to predict the effect of sequence changes on RNA splicing suggest that this variant may disrupt the consensus splice site. ClinVar contains an entry for this variant (Variation ID: 575970). This variant has not been reported in the literature in individuals affected with POLE-related conditions. This variant is not present in population databases (gnomAD no frequency). This sequence change affects a donor splice site in intron 6 of the POLE gene. It is expected to disrupt RNA splicing. Variants that disrupt the donor or acceptor splice site typically lead to a loss of protein function (PMID: 16199547), and loss-of-function variants in POLE are known to be pathogenic (PMID: 23230001, 25948378, 30503519).

Literature cited by the submitters: PubMed 16199547; PubMed 23230001; PubMed 25948378; PubMed 30503519.